The following is an entry in ClinVar:

NM_018979.4(WNK1):c.*2583C>T

Gene: WNK1 (WNK lysine deficient protein kinase 1; plus strand). Cytogenetic location: 12p13.33.
Variant type: single nucleotide variant.
Coding change: c.*2583C>T on transcript NM_018979.4 (MANE Select); 2583 bases downstream of the stop codon, C replaced by T.
Molecular consequence: 3 prime UTR variant.
Genome position (GRCh38, 1-based): chr12:911,375, C>T. VCF-style: chr12-911375-C-T. GRCh37 (hg19) VCF-style: chr12-1020541-C-T.
Other names: c.*2583C>T (NM_001184985.2, NM_014823.3, NM_213655.5).
Identifiers: ClinVar variation 306738 (VCV000306738.5), dbSNP rs11571493, ClinGen allele CA10633707.
Genomic context (GRCh38, chr12:911,375, plus strand): 5'-CAGCAGCCGTTAATTGTACATTTTGCACTAACTCTGGGTGTTGCGCTTCTTGTAAGATTG[C>T]GCTTTGTGCTTCAGTTTGTTACCTTTGTAGACTTATTTAATGAAACCATTCAAATAAACC-3'

ClinVar aggregate classification (germline): Benign (1 of 4 stars; one submission).

Conditions:
Pseudohypoaldosteronism type 2C (PHA2C). Also called: Pseudohypoaldosteronism Type IIC. Identifiers: Orphanet 757, Orphanet 88940, MedGen C1840391, MONDO:0013778, OMIM 614492.

Allele frequency attached by ClinVar (database versions not stated): 1000 Genomes Project 30x 0.00094; 1000 Genomes Project 0.00100; gnomAD 0.00122 and 0.00123; TOPMed 0.00128; gnomAD exomes 0.00165.
gnomAD v4.1: 590 of 398,598 alleles (0.15%); highest among the groups gnomAD compares: Non-Finnish European, 0.23%; no homozygotes.

Submission:

Illumina Laboratory Services, Illumina
Classification: Benign for Pseudohypoaldosteronism type 2C. Last evaluated: 2018-01-13. Review status: criteria provided, single submitter. Criteria: ICSL Variant Classification Criteria 13 December 2019. Collection method: clinical testing. Allele origin: germline.
Comment: This variant was observed in the ICSL laboratory as part of a predisposition screen in an ostensibly healthy population. It had not been previously curated by ICSL or reported in the Human Gene Mutation Database (HGMD: prior to June 1st, 2018), and was therefore a candidate for classification through an automated scoring system. Utilizing variant allele frequency, disease prevalence and penetrance estimates, and inheritance mode, an automated score was calculated to assess if this variant is too frequent to cause the disease. Based on the score and internal cut-off values, a variant classified as benign is not then subjected to further curation. The score for this variant resulted in a classification of benign for this disease.